The following is an entry in ClinVar:

ClinVar aggregate classification (germline): Likely benign (1 of 4 stars; one submission).

Allele frequency attached by ClinVar (database versions not stated): gnomAD 0.00936 and 0.01004; 1000 Genomes Project 0.01038; TOPMed 0.01070; 1000 Genomes Project 30x 0.01109.
gnomAD v4.1: 1,405 of 152,126 alleles (0.92%); highest among the groups gnomAD compares: African/African-American, 3.3%; 23 homozygotes.

Submission:

GeneDx
Classification: Likely benign. Last evaluated: 2018-06-14. Review status: criteria provided, single submitter. Criteria: GeneDx Variant Classification (06012015). Collection method: clinical testing. Allele origin: germline. Affected: yes.
Comment: This variant is considered likely benign or benign based on one or more of the following criteria: it is a conservative change, it occurs at a poorly conserved position in the protein, it is predicted to be benign by multiple in silico algorithms, and/or has population frequency not consistent with disease.

NM_001002755.4(NFU1):c.484+181C>A

Gene: NFU1 (NFU1 iron-sulfur cluster scaffold; minus strand). Cytogenetic location: 2p13.3.
Variant type: single nucleotide variant.
Coding change: c.484+181C>A on transcript NM_001002755.4 (MANE Select); 181 bases into the intron after coding-DNA position 484, C replaced by A.
Molecular consequence: intron variant.
Genome position (GRCh38, 1-based): chr2:69,415,004, G>T on the plus strand (C>A on the coding strand, the complement: NFU1 is on the minus strand). VCF-style: chr2-69415004-G-T. GRCh37 (hg19) VCF-style: chr2-69642136-G-T.
Other names: c.412+181C>A (NM_015700.4, NM_001374284.1); c.61+181C>A (NM_001002756.2).
Identifiers: ClinVar variation 673225 (VCV000673225.1), dbSNP rs114363313, ClinGen allele CA49517605.